The following is an entry in ClinVar:

ClinVar aggregate classification (germline): Conflicting classifications of pathogenicity. Review status: criteria provided, conflicting classifications (1 of 4 stars). 5 submissions from 5 submitters: Uncertain significance (3); Likely benign (2). Last evaluated 2026-01-19.

Conditions:
Familial thoracic aortic aneurysm and aortic dissection (TAAD). Also called: Thoracic aortic aneurysms and dissections. Identifiers: Orphanet 91387, MedGen C4707243, MONDO:0019625.
Ehlers-Danlos syndrome, type 4 (EDSVASC). Also called: Ehlers-Danlos Syndrome Type IV; Ehlers-Danlos syndrome vascular type; Ehlers Danlos syndrome, ecchymotic type; Ehlers Danlos syndrome, arterial type; Ehlers Danlos syndrome, Sack-Barabas type. Identifiers: Orphanet 286, MedGen C0268338, MONDO:0017314, OMIM 130050.

Allele frequency attached by ClinVar (database versions not stated): gnomAD exomes 0.00003 and 0.00006; ExAC 0.00004; gnomAD 0.00009 and 0.00011; TOPMed 0.00009; 1000 Genomes Project 0.00020; 1000 Genomes Project 30x 0.00031.
gnomAD v4.1: 54 of 1,608,596 alleles (0.0034%); highest among the groups gnomAD compares: Admixed American, 0.028%; no homozygotes.

Submissions (5):

Women's Health and Genetics/Laboratory Corporation of America, LabCorp
Classification: Uncertain significance. Last evaluated: 2026-01-19. Review status: criteria provided, single submitter. Criteria: LabCorp Variant Classification Summary - May 2015. Collection method: clinical testing. Allele origin: germline.
Comment: Variant summary: COL3A1 c.528+4C>T alters a conserved nucleotide located close to a canonical splice site and therefore could affect mRNA splicing, leading to a significantly altered protein sequence. Consensus agreement among computation tools predict no significant impact on normal splicing. However, these predictions have yet to be confirmed by functional studies. The variant allele was found at a frequency of 6e-05 in 250758 control chromosomes. This frequency is not significantly higher than estimated for disease-causing variants in COL3A1, allowing no conclusion about variant significance. To our knowledge, no occurrence of c.528+4C>T in individuals affected with COL3A1-related conditions and no experimental evidence demonstrating its impact on protein function have been reported. ClinVar contains an entry for this variant (Variation ID: 924125). Based on the evidence outlined above, the variant was classified as uncertain significance.

Labcorp Genetics (formerly Invitae), Labcorp
Classification: Uncertain significance for Ehlers-Danlos syndrome, type 4. Last evaluated: 2025-10-26. Review status: criteria provided, single submitter. Criteria: Invitae Variant Classification Sherloc (09022015). Collection method: clinical testing. Allele origin: germline.
Comment: This sequence change falls in intron 5 of the COL3A1 gene. It does not directly change the encoded amino acid sequence of the COL3A1 protein. It affects a nucleotide within the consensus splice site. The frequency data for this variant in the population databases is considered unreliable, as metrics indicate poor data quality at this position in the gnomAD database. This variant has not been reported in the literature in individuals affected with COL3A1-related conditions. ClinVar contains an entry for this variant (Variation ID: 924125). Variants that disrupt the consensus splice site are a relatively common cause of aberrant splicing (PMID: 17576681, 9536098). Algorithms developed to predict the effect of sequence changes on RNA splicing suggest that this variant is not likely to affect RNA splicing. In summary, the available evidence is currently insufficient to determine the role of this variant in disease. Therefore, it has been classified as a Variant of Uncertain Significance.

Blueprint Genetics
Classification: Likely benign. Last evaluated: 2024-02-12. Review status: criteria provided, single submitter. Criteria: ACMG Guidelines, 2015. Collection method: clinical testing. Allele origin: germline.

All of Us Research Program, National Institutes of Health
Classification: Uncertain significance for Ehlers-Danlos syndrome, type 4. Last evaluated: 2023-08-15. Review status: criteria provided, single submitter. Criteria: ACMG Guidelines, 2015. Collection method: clinical testing. Allele origin: germline. Inheritance: Autosomal dominant inheritance. Observed: 3 variant alleles, 3 heterozygotes.
Comment: This study involves interpretation of variants in research participants for the purpose of population health screening. Participant phenotype was not available at the time of variant classification. Additional details can be found in publication PMID: 35346344, PMCID: PMC8962531

Color Diagnostics, LLC DBA Color Health
Classification: Likely benign for Familial thoracic aortic aneurysm and aortic dissection. Last evaluated: 2019-03-24. Review status: criteria provided, single submitter. Criteria: ACMG Guidelines, 2015. Collection method: clinical testing. Allele origin: germline.

Literature cited by the submitters: PubMed 17576681 (cited by Labcorp Genetics (formerly Invitae), Labcorp); PubMed 9536098 (cited by Labcorp Genetics (formerly Invitae), Labcorp).

NM_000090.4(COL3A1):c.528+4C>T

Gene: COL3A1 (collagen type III alpha 1 chain; plus strand). Cytogenetic location: 2q32.2.
Variant type: single nucleotide variant.
Coding change: c.528+4C>T on transcript NM_000090.4 (MANE Select); 4 bases into the intron after coding-DNA position 528, C replaced by T.
Molecular consequence: intron variant.
Genome position (GRCh38, 1-based): chr2:188,987,143, C>T. VCF-style: chr2-188987143-C-T. GRCh37 (hg19) VCF-style: chr2-189851869-C-T.
Identifiers: ClinVar variation 924125 (VCV000924125.8), dbSNP rs528758308, ClinGen allele CA076671.